The following is an entry in ClinVar:

ClinVar aggregate classification (germline): Uncertain significance (1 of 4 stars; one submission).

Conditions:
EP300-related disorder. Also called: EP300-related condition; EP300-related disorders.

gnomAD v4.1: 1 of 1,613,954 alleles (0.000062%); highest among the groups gnomAD compares: East Asian, 0.0022%; no homozygotes.

Submission:

PreventionGenetics, part of Exact Sciences
Classification: Uncertain significance for EP300-related condition. Last evaluated: 2026-07-16. Review status: criteria provided, single submitter. Criteria: ACMG Guidelines, 2015. Collection method: clinical testing. Allele origin: germline.
Comment: The EP300 c.1838G>A variant is predicted to result in the amino acid substitution p.Arg613Gln. To our knowledge, this variant has not been reported in the literature or in a large population database (gnomAD), indicating this variant is rare. At this time, the clinical significance of this variant is uncertain due to the absence of conclusive functional and genetic evidence.

NM_001429.4(EP300):c.1838G>A (p.Arg613Gln)

Gene: EP300 (EP300 lysine acetyltransferase; plus strand). Cytogenetic location: 22q13.2.
Variant type: single nucleotide variant.
Coding change: c.1838G>A on transcript NM_001429.4 (MANE Select); coding-DNA position 1838, G replaced by A.
Protein change: p.Arg613Gln; replaces arginine 613 with glutamine.
Molecular consequence: missense variant.
Genome position (GRCh38, 1-based): chr22:41,140,217, G>A. VCF-style: chr22-41140217-G-A. GRCh37 (hg19) VCF-style: chr22-41536221-G-A.
Other names: c.1838G>A, p.Arg613Gln (NM_001362843.2); short protein forms R613Q.
Identifiers: ClinVar variation 4978226 (VCV004978226.1).
Genomic context (GRCh38, chr22:41,140,217, plus strand): 5'-CTACGCCGGATCCTGCTGCTTTAAAAGACAGACGGATGGAAAACCTAGTTGCATATGCTC[G>A]GAAAGTTGAAGGGGACATGTATGAATCTGCAAACAATCGAGTGAGTGTCTGGTTTTTTTC-3'
Protein context (NP_001420.2, residues 603-623): RRMENLVAYA[Arg613Gln]KVEGDMYESA